The following is an entry in ClinVar:

NM_001283009.2(RTEL1):c.2142-2A>G

Genes: RTEL1-TNFRSF6B (RTEL1-TNFRSF6B readthrough (NMD candidate); plus strand), RTEL1 (regulator of telomere elongation helicase 1; plus strand). Cytogenetic location: 20q13.33.
Variant type: single nucleotide variant.
Coding change: c.2142-2A>G on transcript NM_001283009.2 (MANE Select); the canonical splice acceptor site of the intron before coding-DNA position 2142, A replaced by G.
Molecular consequence: splice acceptor variant.
Genome position (GRCh38, 1-based): chr20:63,690,085, A>G. VCF-style: chr20-63690085-A-G. GRCh37 (hg19) VCF-style: chr20-62321438-A-G.
Other names: c.1473-2A>G (NM_001283010.1); c.2214-2A>G (NM_032957.5); c.2142-2A>G (NM_016434.4).
Identifiers: ClinVar variation 1500810 (VCV001500810.9), dbSNP rs2090696292, ClinGen allele CA409679533.

ClinVar aggregate classification (germline): Pathogenic/Likely pathogenic. Review status: criteria provided, multiple submitters, no conflicts (2 of 4 stars). 2 submissions from 2 submitters: Pathogenic (1); Likely pathogenic (1). Last evaluated 2024-01-11.

Conditions:
Dyskeratosis congenita, autosomal recessive 5 (DKCB5). Identifiers: MedGen C3554656, MONDO:0014076, OMIM 615190.
Pulmonary fibrosis and/or bone marrow failure, Telomere-related, 3. Also called: PULMONARY FIBROSIS AND/OR BONE MARROW FAILURE SYNDROME, TELOMERE-RELATED, 3. Identifiers: Orphanet 2032, MedGen C4225346, MONDO:0014613, OMIM 616373.

Allele frequency attached by ClinVar (database versions not stated): gnomAD 0.00001; TOPMed 0.00001.
gnomAD v4.1: 1 of 1,610,438 alleles (0.000062%); highest among the groups gnomAD compares: Admixed American, 0.0017%; no homozygotes.

Submissions (2):

Labcorp Genetics (formerly Invitae), Labcorp
Classification: Likely pathogenic for Dyskeratosis congenita, autosomal recessive 5; Pulmonary fibrosis and/or bone marrow failure, Telomere-related, 3. Last evaluated: 2024-01-11. Review status: criteria provided, single submitter. Criteria: Invitae Variant Classification Sherloc (09022015). Collection method: clinical testing. Allele origin: germline.
Comment: This sequence change affects an acceptor splice site in intron 24 of the RTEL1 gene. It is expected to disrupt RNA splicing. Variants that disrupt the donor or acceptor splice site typically lead to a loss of protein function (PMID: 16199547), and loss-of-function variants in RTEL1 are known to be pathogenic (PMID: 23453664, 23959892, 25607374). This variant is not present in population databases (gnomAD no frequency). Disruption of this splice site has been observed in individual(s) with pulmonary fibrosis (PMID: 28099038). This variant is also known as c.2214-2A>G. ClinVar contains an entry for this variant (Variation ID: 1500810). Algorithms developed to predict the effect of sequence changes on RNA splicing suggest that this variant may disrupt the consensus splice site. In summary, the currently available evidence indicates that the variant is pathogenic, but additional data are needed to prove that conclusively. Therefore, this variant has been classified as Likely Pathogenic.

Baylor Genetics
Classification: Pathogenic for Dyskeratosis congenita, autosomal recessive 5. Last evaluated: 2023-05-29. Review status: criteria provided, single submitter. Criteria: ACMG Guidelines, 2015. Collection method: clinical testing. Allele origin: unknown.

Literature cited by the submitters: PubMed 16199547 (cited by Labcorp Genetics (formerly Invitae), Labcorp); PubMed 23453664 (cited by Labcorp Genetics (formerly Invitae), Labcorp); PubMed 23959892 (cited by Labcorp Genetics (formerly Invitae), Labcorp); PubMed 25607374 (cited by Labcorp Genetics (formerly Invitae), Labcorp); PubMed 28099038 (cited by Labcorp Genetics (formerly Invitae), Labcorp).